The following is an entry in ClinVar:

NM_000465.4(BARD1):c.1850C>A (p.Thr617Asn)

Gene: BARD1 (BRCA1 associated RING domain 1; minus strand). Cytogenetic location: 2q35.
Variant type: single nucleotide variant.
Coding change: c.1850C>A on transcript NM_000465.4 (MANE Select); coding-DNA position 1850, C replaced by A.
Protein change: p.Thr617Asn; replaces threonine 617 with asparagine.
Molecular consequence: missense variant. On other transcripts: non-coding transcript variant (3), intron variant (1).
Genome position (GRCh38, 1-based): chr2:214,745,120, G>T on the plus strand (C>A on the coding strand, the complement: BARD1 is on the minus strand). VCF-style: chr2-214745120-G-T. GRCh37 (hg19) VCF-style: chr2-215609844-G-T.
Other names: c.1793C>A, p.Thr598Asn (NM_001282543.2); c.497C>A, p.Thr166Asn (NM_001282545.2); c.440C>A, p.Thr147Asn (NM_001282548.2); c.365-14612C>A (NM_001282549.2); short protein forms T147N, T617N, T166N, T598N.
Identifiers: ClinVar variation 3479711 (VCV003479711.1).

ClinVar aggregate classification (germline): Uncertain significance (1 of 4 stars; one submission).

Conditions:
Hereditary cancer-predisposing syndrome. Also called: Tumor predisposition; Neoplastic Syndromes, Hereditary; Hereditary neoplastic syndrome; Hereditary Cancer Syndrome. Identifiers: Orphanet 140162, MedGen C0027672, MeSH D009386, MONDO:0015356.

gnomAD v4.1: 1 of 1,613,896 alleles (0.000062%); highest among the groups gnomAD compares: Non-Finnish European, 0.000085%; no homozygotes.

Submission:

Ambry Genetics
Classification: Uncertain significance for Hereditary cancer-predisposing syndrome. Last evaluated: 2024-07-28. Review status: criteria provided, single submitter. Criteria: Ambry Variant Classification Scheme 2023. Collection method: clinical testing. Allele origin: germline.
Comment: The p.T617N variant (also known as c.1850C>A), located in coding exon 9 of the BARD1 gene, results from a C to A substitution at nucleotide position 1850. The threonine at codon 617 is replaced by asparagine, an amino acid with similar properties. This amino acid position is conserved. In addition, the in silico prediction for this alteration is inconclusive. Based on the available evidence, the clinical significance of this variant remains unclear.